The following is an entry in ClinVar:

ClinVar aggregate classification (germline): Uncertain significance (1 of 4 stars; one submission).

Conditions:
Hypertrophic cardiomyopathy 14. Identifiers: MedGen C2750467, MONDO:0013197, OMIM 613251.

gnomAD v4.1: 30 of 1,614,052 alleles (0.0019%); highest among the groups gnomAD compares: South Asian, 0.031%; no homozygotes.

Submission:

Labcorp Genetics (formerly Invitae), Labcorp
Classification: Uncertain significance for Hypertrophic cardiomyopathy 14. Last evaluated: 2024-10-14. Review status: criteria provided, single submitter. Criteria: Invitae Variant Classification Sherloc (09022015). Collection method: clinical testing. Allele origin: germline.
Comment: This sequence change replaces glutamine, which is neutral and polar, with histidine, which is basic and polar, at codon 1902 of the MYH6 protein (p.Gln1902His). This variant is present in population databases (rs746154984, gnomAD 0.02%). This variant has not been reported in the literature in individuals affected with MYH6-related conditions. Invitae Evidence Modeling of protein sequence and biophysical properties (such as structural, functional, and spatial information, amino acid conservation, physicochemical variation, residue mobility, and thermodynamic stability) indicates that this missense variant is expected to disrupt MYH6 protein function with a positive predictive value of 80%. In summary, the available evidence is currently insufficient to determine the role of this variant in disease. Therefore, it has been classified as a Variant of Uncertain Significance.

NM_002471.4(MYH6):c.5706G>T (p.Gln1902His)

Gene: MYH6 (myosin heavy chain 6; minus strand). Cytogenetic location: 14q11.2.
Variant type: single nucleotide variant.
Coding change: c.5706G>T on transcript NM_002471.4 (MANE Select); coding-DNA position 5706, G replaced by T.
Protein change: p.Gln1902His; replaces glutamine 1902 with histidine.
Molecular consequence: missense variant.
Genome position (GRCh38, 1-based): chr14:23,382,518, C>A on the plus strand (G>T on the coding strand, the complement: MYH6 is on the minus strand). VCF-style: chr14-23382518-C-A. GRCh37 (hg19) VCF-style: chr14-23851727-C-A.
Other names: short protein forms Q1902H.
Identifiers: ClinVar variation 2714359 (VCV002714359.3), dbSNP rs746154984, ClinGen allele CA7114297.
Genomic context (GRCh38, chr14:23,382,518, plus strand): 5'-AAGCTTGTTGACCTGGGACTCAGCGATGTCCGCCCGCTCCTCTGCCTCATCCAGCTCATG[C>A]TGCACCTTGCGGAACTTGGACAGGTTGGTGTTGGCTTGCTCCTCCTGTGGTGGGACAGTG-3'
Protein context (NP_002462.2, residues 1892-1912): NTNLSKFRKV[Gln1902His]HELDEAEERA